The following is an entry in ClinVar:

NM_000238.4(KCNH2):c.3229G>T (p.Ala1077Ser)

Gene: KCNH2 (potassium voltage-gated channel subfamily H member 2; minus strand). Cytogenetic location: 7q36.1.
Variant type: single nucleotide variant.
Coding change: c.3229G>T on transcript NM_000238.4 (MANE Select); coding-DNA position 3229, G replaced by T.
Protein change: p.Ala1077Ser; replaces alanine 1077 with serine.
Molecular consequence: missense variant. On other transcripts: non-coding transcript variant (2).
Genome position (GRCh38, 1-based): chr7:150,946,978, C>A on the plus strand (G>T on the coding strand, the complement: KCNH2 is on the minus strand). VCF-style: chr7-150946978-C-A. GRCh37 (hg19) VCF-style: chr7-150644066-C-A.
Other names: c.2941G>T, p.Ala981Ser (NM_001406753.1); c.2209G>T, p.Ala737Ser (NM_172057.3); short protein forms A1077S, A737S, A981S.
Identifiers: ClinVar variation 4041537 (VCV004041537.1).

ClinVar aggregate classification (germline): Uncertain significance (1 of 4 stars; one submission).

Conditions:
Cardiovascular phenotype. Identifiers: MedGen CN230736.

gnomAD v4.1: 2 of 1,609,744 alleles (0.00012%); highest among the groups gnomAD compares: Middle Eastern, 0.017%; no homozygotes.

Submission:

Ambry Genetics
Classification: Uncertain significance for Cardiovascular phenotype. Last evaluated: 2025-06-10. Review status: criteria provided, single submitter. Criteria: Ambry Variant Classification Scheme 2023. Collection method: clinical testing. Allele origin: germline.
Comment: The p.A1077S variant (also known as c.3229G>T), located in coding exon 14 of the KCNH2 gene, results from a G to T substitution at nucleotide position 3229. The alanine at codon 1077 is replaced by serine, an amino acid with similar properties. This amino acid position is well conserved in available vertebrate species. In addition, the in silico prediction for this alteration is inconclusive. Based on the available evidence, the clinical significance of this variant remains unclear.